The following is an entry in ClinVar:

NM_001394998.1(TANC2):c.4689A>G (p.Arg1563=)

Gene: TANC2 (tetratricopeptide repeat, ankyrin repeat and coiled-coil containing 2; plus strand). Cytogenetic location: 17q23.3.
Variant type: single nucleotide variant.
Coding change: c.4689A>G on transcript NM_001394998.1 (MANE Select); coding-DNA position 4689, A replaced by G.
Protein change: p.Arg1563=; no amino-acid change (arginine 1563 retained).
Molecular consequence: synonymous variant.
Genome position (GRCh38, 1-based): chr17:63,420,419, A>G. VCF-style: chr17-63420419-A-G. GRCh37 (hg19) VCF-style: chr17-61497780-A-G.
Other names: c.4467A>G, p.Arg1489= (NM_001411076.1); c.4437A>G, p.Arg1479= (NM_025185.4).
Identifiers: ClinVar variation 3025018 (VCV003025018.23), dbSNP rs200208895, ClinGen allele CA8698300.

ClinVar aggregate classification (germline): Likely benign. Review status: criteria provided, multiple submitters, no conflicts (2 of 4 stars). 2 submissions from 2 submitters: Likely benign (2). Last evaluated 2026-09-01.

Allele frequency attached by ClinVar (database versions not stated): ESP Exome Variant Server 0.00016; gnomAD 0.00017; TOPMed 0.00029; gnomAD exomes 0.00036; ExAC 0.00058.
gnomAD v4.1: 588 of 1,613,910 alleles (0.036%); highest among the groups gnomAD compares: Middle Eastern, 1.6%; 4 homozygotes.

Submissions (2):

CeGaT Center for Human Genetics Tuebingen
Classification: Likely benign. Last evaluated: 2026-09-01. Review status: criteria provided, single submitter. Criteria: CeGaT Center For Human Genetics Tuebingen Variant Classification Criteria Version 2. Collection method: clinical testing. Allele origin: germline. Affected: yes. Observed: 9 variant alleles.
Comment: TANC2: BP4, BP7

Blueprint Genetics
Classification: Likely benign. Last evaluated: 2024-11-22. Review status: criteria provided, single submitter. Criteria: ACMG Guidelines, 2015. Collection method: clinical testing. Allele origin: germline.